The following is an entry in ClinVar:

ClinVar aggregate classification (germline): Likely pathogenic (1 of 4 stars; one submission).

Conditions:
ANO6-related disorder. Also called: ANO6-related condition.

gnomAD v4.1: 3 of 1,606,920 alleles (0.00019%); highest among the groups gnomAD compares: South Asian, 0.0011%; no homozygotes.

Submission:

PreventionGenetics, part of Exact Sciences
Classification: Likely pathogenic for ANO6-related condition. Last evaluated: 2023-05-30. Review status: criteria provided, single submitter. Criteria: ACMG Guidelines, 2015. Collection method: clinical testing. Allele origin: germline.
Comment: The ANO6 c.1880+1G>C variant is predicted to disrupt the GT donor site and interfere with normal splicing. To our knowledge, this variant has not been reported in the literature or in a large population database, indicating this variant is rare. Variants that disrupt the consensus splice donor site in ANO6 are expected to be pathogenic. This variant is interpreted as likely pathogenic.

NM_001025356.3(ANO6):c.1880+1G>C

Gene: ANO6 (anoctamin 6; plus strand). Cytogenetic location: 12q12.
Variant type: single nucleotide variant.
Coding change: c.1880+1G>C on transcript NM_001025356.3 (MANE Select); the canonical splice donor site of the intron after coding-DNA position 1880, G replaced by C.
Molecular consequence: splice donor variant.
Genome position (GRCh38, 1-based): chr12:45,403,537, G>C. VCF-style: chr12-45403537-G-C. GRCh37 (hg19) VCF-style: chr12-45797320-G-C.
Other names: c.1880+1G>C (NM_001142679.2); c.1943+1G>C (NM_001204803.2); c.1847+1G>C (NM_001410973.1); c.1826+1G>C (NM_001142678.2).
Identifiers: ClinVar variation 2632662 (VCV002632662.1), dbSNP rs371269172, ClinGen allele CA384462085.